The following is an entry in ClinVar:

ClinVar aggregate classification (germline): Uncertain significance. Review status: criteria provided, multiple submitters, no conflicts (2 of 4 stars). 2 submissions from 2 submitters: Uncertain significance (2). Last evaluated 2023-12-18.

gnomAD v4.1: 24 of 1,485,690 alleles (0.0016%); highest among the groups gnomAD compares: Non-Finnish European, 0.002%; no homozygotes.

Submissions (2):

GeneDx
Classification: Uncertain significance. Last evaluated: 2023-12-18. Review status: criteria provided, single submitter. Criteria: GeneDx Variant Classification Process June 2021. Collection method: clinical testing. Allele origin: germline. Affected: yes.
Comment: Not observed at significant frequency in large population cohorts (gnomAD); In silico analysis supports that this missense variant does not alter protein structure/function; Has not been previously published as pathogenic or benign to our knowledge; Reported using an alternate transcript of the gene

Blueprint Genetics
Classification: Uncertain significance. Last evaluated: 2022-11-04. Review status: criteria provided, single submitter. Criteria: ACMG Guidelines, 2015. Collection method: clinical testing. Allele origin: germline.

NM_153676.4(USH1C):c.1907G>T (p.Arg636Leu)

Gene: USH1C (USH1 protein network component harmonin; minus strand). Cytogenetic location: 11p15.1.
Variant type: single nucleotide variant.
Coding change: c.1907G>T on transcript NM_153676.4 (MANE Select); coding-DNA position 1907, G replaced by T.
Protein change: p.Arg636Leu; replaces arginine 636 with leucine.
Molecular consequence: missense variant. On other transcripts: intron variant (2).
Genome position (GRCh38, 1-based): chr11:17,509,462, C>A on the plus strand (G>T on the coding strand, the complement: USH1C is on the minus strand). VCF-style: chr11-17509462-C-A. GRCh37 (hg19) VCF-style: chr11-17531009-C-A.
Other names: c.1228-7482G>T (NM_001297764.2); c.1285-7482G>T (NM_005709.4); short protein forms R636L.
Identifiers: ClinVar variation 3365913 (VCV003365913.2).